The following is an entry in ClinVar:

NM_006618.5(KDM5B):c.2020G>C (p.Val674Leu)

Gene: KDM5B (lysine demethylase 5B; minus strand). Cytogenetic location: 1q32.1.
Variant type: single nucleotide variant.
Coding change: c.2020G>C on transcript NM_006618.5 (MANE Select); coding-DNA position 2020, G replaced by C.
Protein change: p.Val674Leu; replaces valine 674 with leucine.
Molecular consequence: missense variant.
Genome position (GRCh38, 1-based): chr1:202,746,320, C>G on the plus strand (G>C on the coding strand, the complement: KDM5B is on the minus strand). VCF-style: chr1-202746320-C-G. GRCh37 (hg19) VCF-style: chr1-202715448-C-G.
Other names: c.2128G>C, p.Val710Leu (NM_001314042.2); c.1885G>C, p.Val629Leu (NM_001347591.2); c.2005G>C, p.Val669Leu (NM_001399817.1); short protein forms V629L, V669L, V674L, V710L.
Identifiers: ClinVar variation 3392649 (VCV003392649.1).
Genomic context (GRCh38, chr1:202,746,320, plus strand): 5'-TTACACACTGACGTTCATCATCTGGCAACAGCTCAAAATCCATTCTTTCCGAATCAATCA[C>G]TCCCTAGAATAAAGTATACTTTAGAGAGACCTCCAAAGGATAATATAATCCACCAGCCCA-3'
Protein context (NP_006609.3, residues 664-684): ALRETVRKLG[Val674Leu]IDSERMDFEL

ClinVar aggregate classification (germline): Uncertain significance (1 of 4 stars; one submission).

Submission:

GeneDx
Classification: Uncertain significance. Last evaluated: 2024-06-23. Review status: criteria provided, single submitter. Criteria: GeneDx Variant Classification Process June 2021. Collection method: clinical testing. Allele origin: germline. Affected: yes.
Comment: Not observed at significant frequency in large population cohorts (gnomAD); In silico analysis indicates that this missense variant does not alter protein structure/function; Has not been previously published as pathogenic or benign to our knowledge